The following is an entry in ClinVar:

NM_000444.6(PHEX):c.1224del (p.Phe409fs)

Gene: PHEX (phosphate regulating endopeptidase X-linked; plus strand). Cytogenetic location: Xp22.11.
Variant type: Deletion.
Coding change: c.1224del on transcript NM_000444.6 (MANE Select); coding-DNA position 1224, one base deleted (C; older notation c.1224delC).
Protein change: p.Phe409fs; shifts the reading frame from phenylalanine 409.
Molecular consequence: frameshift variant.
Genome position (GRCh38, 1-based): chrX:22,114,508, C deleted. VCF-style (leftmost placement, unchanged base first): chrX-22114507-AC-A. GRCh37 (hg19) VCF-style: chrX-22132625-AC-A.
Other names: c.1224del, p.Phe409fs (NM_001282754.2); short protein forms F409fs.
Identifiers: ClinVar variation 967290 (VCV000967290.9), dbSNP rs1931146041, ClinGen allele CA1139667295.

ClinVar aggregate classification (germline): Pathogenic. Review status: criteria provided, multiple submitters, no conflicts (2 of 4 stars). 2 submissions from 2 submitters: Pathogenic (2). Last evaluated 2023-03-01.

Conditions:
PHEX-related disorder. Also called: PHEX-related condition.

Submissions (2):

Labcorp Genetics (formerly Invitae), Labcorp
Classification: Pathogenic. Last evaluated: 2023-03-01. Review status: criteria provided, single submitter. Criteria: Invitae Variant Classification Sherloc (09022015). Collection method: clinical testing. Allele origin: germline.
Comment: For these reasons, this variant has been classified as Pathogenic. ClinVar contains an entry for this variant (Variation ID: 967290). This premature translational stop signal has been observed in individual(s) with hypophosphatemia (PMID: 4141703; Invitae). This variant is not present in population databases (gnomAD no frequency). This sequence change creates a premature translational stop signal (p.Phe409Leufs*15) in the PHEX gene. It is expected to result in an absent or disrupted protein product. Loss-of-function variants in PHEX are known to be pathogenic (PMID: 9097956, 9106524, 19219621).

Blueprint Genetics
Classification: Pathogenic for PHEX-related disorders. Last evaluated: 2021-11-08. Review status: criteria provided, single submitter. Criteria: ACMG Guidelines, 2015. Collection method: clinical testing. Allele origin: germline. Affected: yes. Observed: 1 variant allele.

Literature cited by the submitters: PubMed 4141703 (cited by Labcorp Genetics (formerly Invitae), Labcorp); PubMed 9097956 (cited by Labcorp Genetics (formerly Invitae), Labcorp); PubMed 9106524 (cited by Labcorp Genetics (formerly Invitae), Labcorp); PubMed 19219621 (cited by Labcorp Genetics (formerly Invitae), Labcorp).